The following is an entry in ClinVar:

ClinVar aggregate classification (germline): Pathogenic. Review status: reviewed by expert panel (3 of 4 stars). 2 submissions from 2 submitters: Pathogenic (1). 1 of the submissions does not count toward it. Last evaluated 2016-10-18.

Conditions:
Breast-ovarian cancer, familial, susceptibility to, 2 (BROVCA2). Also called: BRCA2 Hereditary Breast and Ovarian Cancer. Identifiers: Orphanet 145, MedGen C2675520, MONDO:0012933, OMIM 612555. Disease mechanism: loss of function.

Submissions (2):

Evidence-based Network for the Interpretation of Germline Mutant Alleles (ENIGMA)
Classification: Pathogenic for Breast-ovarian cancer, familial, susceptibility to, 2. Last evaluated: 2016-10-18. Review status: reviewed by expert panel. Criteria: ENIGMA BRCA1/2 Classification Criteria (2015). Collection method: curation. Allele origin: germline.
Comment: Variant allele predicted to encode a truncated non-functional protein.

Consortium of Investigators of Modifiers of BRCA1/2 (CIMBA), c/o University of Cambridge
Classification: Pathogenic for Breast-ovarian cancer, familial, susceptibility to, 2. Last evaluated: 2015-10-02. Review status: criteria provided, single submitter. Criteria: CIMBA Mutation Classification guidelines May 2016. Collection method: clinical testing. Allele origin: germline. Not counted in ClinVar's aggregate classification.

NM_000059.4(BRCA2):c.8283_8284dup (p.Pro2762fs)

Gene: BRCA2 (BRCA2 DNA repair associated; plus strand). Cytogenetic location: 13q13.1.
Variant type: Microsatellite.
Coding change: c.8283_8284dup on transcript NM_000059.4 (MANE Select); coding-DNA positions 8283 to 8284, 2 bases duplicated (TC; older notation c.8283_8284dupTC).
Protein change: p.Pro2762fs; shifts the reading frame from proline 2762.
Molecular consequence: frameshift variant.
Genome position (GRCh38, 1-based): chr13:32,363,485-32,363,486, TC duplicated; duplicating any 2 consecutive bases within chr13:32,363,482-32,363,486 gives the same sequence; the c. name uses the placement nearest the transcript's 3' end. VCF-style (leftmost placement, unchanged base first): chr13-32363481-G-GCT. GRCh37 (hg19) VCF-style: chr13-32937618-G-GCT.
Other names: 8511insCT-ter2777; c.8283_8284dup (NM_000059.3); short protein forms P2762fs.
Identifiers: ClinVar variation 267064 (VCV000267064.5), dbSNP rs886040754, ClinGen allele CA10589477.
Genomic context (GRCh38, chr13:32,363,481, plus strand): 5'-TAAAGAATGGCAGACTGACAGTTGGTCAGAAGATTATTCTTCATGGAGCAGAACTGGTGG[G>GCT]CTCTCCTGATGCCTGTACACCTCTTGAAGCCCCAGAATCTCTTATGTTAAAGGTAAATTA-3'